The following is an entry in ClinVar:

ClinVar aggregate classification (germline): Uncertain significance (1 of 4 stars; one submission).

Conditions:
TTN-related disorder. Also called: TTN-related disorders; TTN-related condition; TTN-related disease.

gnomAD v4.1: 9 of 1,613,200 alleles (0.00056%); highest among the groups gnomAD compares: Non-Finnish European, 0.00076%; no homozygotes.

Submission:

PreventionGenetics, part of Exact Sciences
Classification: Uncertain significance for TTN-related condition. Last evaluated: 2025-11-13. Review status: criteria provided, single submitter. Criteria: ACMG Guidelines, 2015. Collection method: clinical testing. Allele origin: germline.
Comment: The TTN c.67238T>C variant is predicted to result in the amino acid substitution p.Phe22413Ser. To our knowledge, this variant has not been reported in the literature. This variant is reported in 0.0036% of alleles in individuals of European (Non-Finnish) descent in gnomAD. At this time, the clinical significance of this variant is uncertain due to the absence of conclusive functional and genetic evidence.

NM_001267550.2(TTN):c.67238T>C (p.Phe22413Ser)

Genes: TTN (titin; minus strand), TTN-AS1 (TTN antisense RNA 1; plus strand). Cytogenetic location: 2q31.2.
Variant type: single nucleotide variant.
Coding change: c.67238T>C on transcript NM_001267550.2 (MANE Select); coding-DNA position 67238, T replaced by C.
Protein change: p.Phe22413Ser; replaces phenylalanine 22413 with serine.
Molecular consequence: missense variant.
Genome position (GRCh38, 1-based): chr2:178,580,049, A>G on the plus strand (T>C on the coding strand, the complement: TTN is on the minus strand). VCF-style: chr2-178580049-A-G. GRCh37 (hg19) VCF-style: chr2-179444776-A-G.
Other names: c.62315T>C, p.Phe20772Ser (NM_001256850.1); c.40043T>C, p.Phe13348Ser (NM_003319.4); c.59534T>C, p.Phe19845Ser (NM_133378.4); c.40418T>C, p.Phe13473Ser (NM_133432.3); c.40619T>C, p.Phe13540Ser (NM_133437.4); short protein forms F13348S, F13473S, F22413S, F13540S, F19845S, F20772S.
Identifiers: ClinVar variation 4984615 (VCV004984615.1).